The following is an entry in ClinVar:

ClinVar aggregate classification (germline): Uncertain significance (0 of 4 stars; one submission).

Conditions:
Prostate cancer. Also called: Malignant tumor of prostate. Identifiers: Orphanet 1331, MedGen C0376358, MONDO:0008315, HP:0012125.

Submission:

Science for Life laboratory,  Karolinska Institutet
Classification: Uncertain significance for Malignant tumor of prostate. Review status: no assertion criteria provided. Collection method: not provided. Allele origin: somatic.
Comment: TumorID:SWE-91B
ClinVar note: Converted during submission from Unknown to Uncertain significance.

NM_080817.5(GPR82):c.482G>T (p.Gly161Val)

Genes: CASK (calcium/calmodulin dependent serine protein kinase; minus strand), GPR82 (G protein-coupled receptor 82; plus strand). Cytogenetic location: Xp11.4.
Variant type: single nucleotide variant.
Coding change: c.482G>T on transcript NM_080817.5 (MANE Select); coding-DNA position 482, G replaced by T.
Protein change: p.Gly161Val; replaces glycine 161 with valine.
Molecular consequence: missense variant. On other transcripts: intron variant (5).
Genome position (GRCh38, 1-based): chrX:41,727,508, G>T. VCF-style: chrX-41727508-G-T. GRCh37 (hg19) VCF-style: chrX-41586761-G-T.
Other names: c.429+11876C>A (NM_001126055.3, NM_001410745.1, NM_001126054.3 and 2 more transcripts); short protein forms G161V.
Identifiers: ClinVar variation 161798 (VCV000161798.2), dbSNP rs193921104, ClinGen allele CA174804.
Genomic context (GRCh38, chrX:41,727,508, plus strand): 5'-ATTTACTGAAAAAATTTCGCCAGCCCAACTTTGCTAGAAAACTATGCATTTACATATGGG[G>T]AGTTGTACTGGGCATAATCATTCCAGTTACCGTATACTACTCAGTCATAGAGGCTACAGA-3'
Protein context (NP_543007.1, residues 151-171): FARKLCIYIW[Gly161Val]VVLGIIIPVT